The following is an entry in ClinVar:

ClinVar aggregate classification (germline): Uncertain significance (1 of 4 stars; one submission).

Submission:

Labcorp Genetics (formerly Invitae), Labcorp
Classification: Uncertain significance. Last evaluated: 2024-10-29. Review status: criteria provided, single submitter. Criteria: Invitae Variant Classification Sherloc (09022015). Collection method: clinical testing. Allele origin: germline.
Comment: This sequence change replaces serine, which is neutral and polar, with asparagine, which is neutral and polar, at codon 752 of the SLC24A1 protein (p.Ser752Asn). This variant is not present in population databases (gnomAD no frequency). This variant has not been reported in the literature in individuals affected with SLC24A1-related conditions. ClinVar contains an entry for this variant (Variation ID: 1721798). An algorithm developed to predict the effect of missense changes on protein structure and function outputs the following: PolyPhen-2: "Benign". The asparagine amino acid residue is found in multiple mammalian species, which suggests that this missense change does not adversely affect protein function. In summary, the available evidence is currently insufficient to determine the role of this variant in disease. Therefore, it has been classified as a Variant of Uncertain Significance.

NM_004727.3(SLC24A1):c.2255G>A (p.Ser752Asn)

Gene: SLC24A1 (solute carrier family 24 member 1; plus strand). Cytogenetic location: 15q22.31.
Variant type: single nucleotide variant.
Coding change: c.2255G>A on transcript NM_004727.3 (MANE Select); coding-DNA position 2255, G replaced by A.
Protein change: p.Ser752Asn; replaces serine 752 with asparagine.
Molecular consequence: missense variant.
Genome position (GRCh38, 1-based): chr15:65,650,404, G>A. VCF-style: chr15-65650404-G-A. GRCh37 (hg19) VCF-style: chr15-65942742-G-A.
Other names: c.236G>A, p.Ser79Asn (NM_001254740.2); c.2255G>A, p.Ser752Asn (NM_001301031.1); c.2201G>A, p.Ser734Asn (NM_001301032.1, NM_001301033.2); c.1913G>A, p.Ser638Asn (NM_001411142.1); short protein forms S638N, S734N, S752N, S79N.
Identifiers: ClinVar variation 1721798 (VCV001721798.5), dbSNP rs2548424739, ClinGen allele CA392898684.